The following is an entry in ClinVar:

ClinVar aggregate classification (germline): Uncertain significance. Review status: criteria provided, multiple submitters, no conflicts (2 of 4 stars). 3 submissions from 3 submitters: Uncertain significance (3). Last evaluated 2024-05-16.

Submissions (3):

Women's Health and Genetics/Laboratory Corporation of America, LabCorp
Classification: Uncertain significance. Last evaluated: 2024-05-16. Review status: criteria provided, single submitter. Criteria: LabCorp Variant Classification Summary - May 2015. Collection method: clinical testing. Allele origin: germline.
Comment: Variant summary: DTNBP1 c.1019_1020delinsGC (p.Glu340Gly) results in a non-conservative amino acid change in the encoded protein sequence. Three of five in-silico tools predict a benign effect of the variant on protein function. The variant allele was found at a frequency of 1.2e-05 in 251496 control chromosomes. The available data on variant occurrences in the general population are insufficient to allow any conclusion about variant significance. To our knowledge, no occurrence of c.1019_1020delinsGC in individuals affected with Hermansky-Pudlak Syndrome and no experimental evidence demonstrating its impact on protein function have been reported. ClinVar contains an entry for this variant (Variation ID: 1387615). Based on the evidence outlined above, the variant was classified as uncertain significance.

Mayo Clinic Laboratories, Mayo Clinic
Classification: Uncertain significance. Last evaluated: 2023-10-20. Review status: criteria provided, single submitter. Criteria: ACMG Guidelines, 2015. Collection method: clinical testing. Allele origin: germline. Observed: 1 variant allele.
Comment: PM2_moderate

Labcorp Genetics (formerly Invitae), Labcorp
Classification: Uncertain significance. Last evaluated: 2022-10-17. Review status: criteria provided, single submitter. Criteria: Invitae Variant Classification Sherloc (09022015). Collection method: clinical testing. Allele origin: germline.
Comment: This sequence change replaces glutamic acid, which is acidic and polar, with glycine, which is neutral and non-polar, at codon 340 of the DTNBP1 protein (p.Glu340Gly). Information on the frequency of this variant in the gnomAD database is not available, as this variant may be reported differently in the database. This variant has not been reported in the literature in individuals affected with DTNBP1-related conditions. ClinVar contains an entry for this variant (Variation ID: 1387615). Algorithms developed to predict the effect of missense changes on protein structure and function are either unavailable or do not agree on the potential impact of this missense change (SIFT: "Not Available"; PolyPhen-2: "Benign"; Align-GVGD: "Not Available"). In summary, the available evidence is currently insufficient to determine the role of this variant in disease. Therefore, it has been classified as a Variant of Uncertain Significance.

NM_032122.5(DTNBP1):c.1019_1020delinsGC (p.Glu340Gly)

Gene: DTNBP1 (dystrobrevin binding protein 1; minus strand). Cytogenetic location: 6p22.3.
Variant type: Indel.
Coding change: c.1019_1020delinsGC on transcript NM_032122.5 (MANE Select); coding-DNA positions 1019 to 1020, AG replaced by GC.
Protein change: p.Glu340Gly; replaces glutamic acid 340 with glycine.
Molecular consequence: missense variant.
Genome position (GRCh38, 1-based): chr6:15,523,011-15,523,012, CT replaced by GC on the plus strand (AG replaced by GC on the coding strand, the reverse complement: DTNBP1 is on the minus strand). VCF-style: chr6-15523011-CT-GC. GRCh37 (hg19) VCF-style: chr6-15523242-CT-GC.
Other names: p.Glu340Gly; c.776_777delinsGC, p.Glu259Gly (NM_001271667.2); c.968_969delinsGC, p.Glu323Gly (NM_001271668.2); c.914_915delinsGC, p.Glu305Gly (NM_001271669.2); c.1019_1020delinsGC (NM_032122.4); short protein forms E259G, E305G, E323G, E340G.
Identifiers: ClinVar variation 1387615 (VCV001387615.5), dbSNP rs2127784129, ClinGen allele CA2573140182.